The following is an entry in ClinVar:

ClinVar aggregate classification (germline): Uncertain significance (1 of 4 stars; one submission).

Allele frequency attached by ClinVar (database versions not stated): gnomAD exomes below 0.00001.
gnomAD v4.1: 4 of 1,610,002 alleles (0.00025%); highest among the groups gnomAD compares: Non-Finnish European, 0.00034%; no homozygotes.

Submission:

Labcorp Genetics (formerly Invitae), Labcorp
Classification: Uncertain significance. Last evaluated: 2026-01-12. Review status: criteria provided, single submitter. Criteria: Invitae Variant Classification Sherloc (09022015). Collection method: clinical testing. Allele origin: germline.
Comment: This sequence change replaces lysine, which is basic and polar, with arginine, which is basic and polar, at codon 2185 of the HMCN1 protein (p.Lys2185Arg). This variant is present in population databases (no rsID available, gnomAD 0.007%). This variant has not been reported in the literature in individuals affected with HMCN1-related conditions. ClinVar contains an entry for this variant (Variation ID: 1915405). An algorithm developed to predict the effect of missense changes on protein structure and function (PolyPhen-2) suggests that this variant is likely to be disruptive. In summary, the available evidence is currently insufficient to determine the role of this variant in disease. Therefore, it has been classified as a Variant of Uncertain Significance.

NM_031935.3(HMCN1):c.6554A>G (p.Lys2185Arg)

Gene: HMCN1 (hemicentin 1; plus strand). Cytogenetic location: 1q31.1.
Variant type: single nucleotide variant.
Coding change: c.6554A>G on transcript NM_031935.3 (MANE Select); coding-DNA position 6554, A replaced by G.
Protein change: p.Lys2185Arg; replaces lysine 2185 with arginine.
Molecular consequence: missense variant.
Genome position (GRCh38, 1-based): chr1:186,048,816, A>G. VCF-style: chr1-186048816-A-G. GRCh37 (hg19) VCF-style: chr1-186017948-A-G.
Other names: short protein forms K2185R.
Identifiers: ClinVar variation 1915405 (VCV001915405.5), dbSNP rs1441111552, ClinGen allele CA343900624.
Genomic context (GRCh38, chr1:186,048,816, plus strand): 5'-AGGTTCAAGACACTGGTCGTTACACTTGTGAAGCAACAAATGTTGCTGGAAAAACTGAAA[A>G]AAACTACAATGTCAACATTTGGGGTAAGTGTAATCAGCTCTTGAAAGCAAATAATGCAGC-3'
Protein context (NP_114141.2, residues 2175-2195): EATNVAGKTE[Lys2185Arg]NYNVNIWVPP